The following is an entry in ClinVar:

NM_006231.4(POLE):c.56C>A (p.Ala19Asp)

Genes: POLE (DNA polymerase epsilon, catalytic subunit; minus strand), LOC130009266 (ATAC-STARR-seq lymphoblastoid silent region 5123; plus strand). Cytogenetic location: 12q24.33.
Variant type: single nucleotide variant.
Coding change: c.56C>A on transcript NM_006231.4 (MANE Select); coding-DNA position 56, C replaced by A.
Protein change: p.Ala19Asp; replaces alanine 19 with aspartic acid.
Molecular consequence: missense variant.
Genome position (GRCh38, 1-based): chr12:132,687,260, G>T on the plus strand (C>A on the coding strand, the complement: POLE is on the minus strand). VCF-style: chr12-132687260-G-T. GRCh37 (hg19) VCF-style: chr12-133263846-G-T.
Other names: short protein forms A19D.
Identifiers: ClinVar variation 4862301 (VCV004862301.1).

ClinVar aggregate classification (germline): Uncertain significance (1 of 4 stars; one submission).

Conditions:
Hereditary cancer-predisposing syndrome. Also called: Neoplastic Syndromes, Hereditary; Tumor predisposition; Hereditary Cancer Syndrome; Hereditary neoplastic syndrome. Identifiers: Orphanet 140162, MedGen C0027672, MeSH D009386, MONDO:0015356.

Submission:

Ambry Genetics
Classification: Uncertain significance for Hereditary cancer-predisposing syndrome. Last evaluated: 2026-05-14. Review status: criteria provided, single submitter. Criteria: Ambry Variant Classification Scheme 2023. Collection method: clinical testing. Allele origin: germline.
Comment: The p.A19D variant (also known as c.56C>A), located in coding exon 1 of the POLE gene, results from a C to A substitution at nucleotide position 56. The alanine at codon 19 is replaced by aspartic acid, an amino acid with dissimilar properties. This amino acid position is conserved. In addition, this alteration is predicted to be tolerated by in silico analysis. Based on the available evidence, the clinical significance of this variant remains unclear.